The following is an entry in ClinVar:

NM_001291303.3(FAT4):c.13481G>C (p.Ser4494Thr)

Gene: FAT4 (FAT atypical cadherin 4; plus strand). Cytogenetic location: 4q28.1.
Variant type: single nucleotide variant.
Coding change: c.13481G>C on transcript NM_001291303.3 (MANE Select); coding-DNA position 13481, G replaced by C.
Protein change: p.Ser4494Thr; replaces serine 4494 with threonine.
Molecular consequence: missense variant.
Genome position (GRCh38, 1-based): chr4:125,490,297, G>C. VCF-style: chr4-125490297-G-C. GRCh37 (hg19) VCF-style: chr4-126411452-G-C.
Other names: c.13475G>C (NM_024582.4); c.13478G>C, p.Ser4493Thr (NM_001291285.3); c.13475G>C, p.Ser4492Thr (NM_024582.6); short protein forms S4492T, S4494T, S4493T.
Identifiers: ClinVar variation 2181738 (VCV002181738.4), dbSNP rs374709675, ClinGen allele CA104876044.

ClinVar aggregate classification (germline): Uncertain significance. Review status: criteria provided, multiple submitters, no conflicts (2 of 4 stars). 3 submissions from 3 submitters: Uncertain significance (3). Last evaluated 2025-09-10.

Conditions:
Inborn genetic diseases. Identifiers: MedGen C0950123, MeSH D030342.

Allele frequency attached by ClinVar (database versions not stated): TOPMed 0.00003; gnomAD 0.00005; ESP Exome Variant Server 0.00008.
gnomAD v4.1: 44 of 1,614,012 alleles (0.0027%); highest among the groups gnomAD compares: East Asian, 0.025%; no homozygotes.

Submissions (3):

Women's Health and Genetics/Laboratory Corporation of America, LabCorp
Classification: Uncertain significance. Last evaluated: 2025-09-10. Review status: criteria provided, single submitter. Criteria: LabCorp Variant Classification Summary - May 2015. Collection method: clinical testing. Allele origin: germline.
Comment: Variant summary: FAT4 c.13475G>C (p.Ser4492Thr) results in a conservative amino acid change in the encoded protein sequence. Algorithms developed to predict the effect of missense changes on protein structure and function all suggest that this variant is likely to be tolerated. The variant allele was found at a frequency of 2e-05 in 251456 control chromosomes. The available data on variant occurrences in the general population are insufficient to allow any conclusion about variant significance. To our knowledge, no occurrence of c.13475G>C in individuals affected with FAT4-related conditions and no experimental evidence demonstrating its impact on protein function have been reported. ClinVar contains an entry for this variant (Variation ID: 2181738). Based on the evidence outlined above, the variant was classified as uncertain significance.

Ambry Genetics
Classification: Uncertain significance for Inborn genetic diseases. Last evaluated: 2024-05-14. Review status: criteria provided, single submitter. Criteria: Ambry Variant Classification Scheme 2023. Collection method: clinical testing. Allele origin: germline.

Labcorp Genetics (formerly Invitae), Labcorp
Classification: Uncertain significance. Last evaluated: 2023-04-24. Review status: criteria provided, single submitter. Criteria: Invitae Variant Classification Sherloc (09022015). Collection method: clinical testing. Allele origin: germline.
Comment: In summary, the available evidence is currently insufficient to determine the role of this variant in disease. Therefore, it has been classified as a Variant of Uncertain Significance. Advanced modeling of protein sequence and biophysical properties (such as structural, functional, and spatial information, amino acid conservation, physicochemical variation, residue mobility, and thermodynamic stability) performed at Invitae indicates that this missense variant is not expected to disrupt FAT4 protein function. ClinVar contains an entry for this variant (Variation ID: 2181738). This variant has not been reported in the literature in individuals affected with FAT4-related conditions. This variant is present in population databases (rs374709675, gnomAD 0.02%). This sequence change replaces serine, which is neutral and polar, with threonine, which is neutral and polar, at codon 4492 of the FAT4 protein (p.Ser4492Thr).